The following is an entry in ClinVar:

ClinVar aggregate classification (germline): Uncertain significance. Review status: criteria provided, single submitter (1 of 4 stars). 2 submissions from 2 submitters: Uncertain significance (1). 1 of the submissions does not count toward it. Last evaluated 2022-02-01.

Conditions:
Retinal dystrophy. Also called: Inherited retinal dystrophy. Identifiers: Orphanet 71862, MedGen C0854723, MeSH D058499, MONDO:0019118, HP:0000556.

Submissions (2):

Labcorp Genetics (formerly Invitae), Labcorp
Classification: Uncertain significance. Last evaluated: 2022-02-01. Review status: criteria provided, single submitter. Criteria: Invitae Variant Classification Sherloc (09022015). Collection method: clinical testing. Allele origin: germline.
Comment: This sequence change replaces leucine, which is neutral and non-polar, with proline, which is neutral and non-polar, at codon 3146 of the USH2A protein (p.Leu3146Pro). This variant is not present in population databases (gnomAD no frequency). This variant has not been reported in the literature in individuals affected with USH2A-related conditions. Algorithms developed to predict the effect of missense changes on protein structure and function (SIFT, PolyPhen-2, Align-GVGD) all suggest that this variant is likely to be disruptive. In summary, the available evidence is currently insufficient to determine the role of this variant in disease. Therefore, it has been classified as a Variant of Uncertain Significance.

Institute of Human Genetics, Univ. Regensburg, Univ. Regensburg
Classification: Uncertain significance for Retinal dystrophy. Last evaluated: 2012-01-01. Review status: no assertion criteria provided. Criteria: ACMG Guidelines, 2015. Collection method: clinical testing. Allele origin: germline. Affected: yes. Not counted in ClinVar's aggregate classification.

NM_206933.4(USH2A):c.9437T>C (p.Leu3146Pro)

Gene: USH2A (usherin; minus strand). Cytogenetic location: 1q41.
Variant type: single nucleotide variant.
Coding change: c.9437T>C on transcript NM_206933.4 (MANE Select); coding-DNA position 9437, T replaced by C.
Protein change: p.Leu3146Pro; replaces leucine 3146 with proline.
Molecular consequence: missense variant.
Genome position (GRCh38, 1-based): chr1:215,817,130, A>G on the plus strand (T>C on the coding strand, the complement: USH2A is on the minus strand). VCF-style: chr1-215817130-A-G. GRCh37 (hg19) VCF-style: chr1-215990472-A-G.
Other names: short protein forms L3146P.
Identifiers: ClinVar variation 1395309 (VCV001395309.6), dbSNP rs1307351188, ClinGen allele CA344825143.
Genomic context (GRCh38, chr1:215,817,130, plus strand): 5'-TCATCACTCTGATCCTGCACTAACTTTTGAGTTTTAGCGCATGGATACCATGTTTTCCAT[A>G]GGAGATCATATCCAAGAATGATGCCATTTGGCTTCCGTGGAGACACCCAATCAATTTGAA-3'
Protein context (NP_996816.3, residues 3136-3156): PNGIILGYDL[Leu3146Pro]WKTWYPCAKT